The following is an entry in ClinVar:

NM_020745.4(AARS2):c.2729C>G (p.Thr910Arg)

Gene: AARS2 (alanyl-tRNA synthetase 2, mitochondrial; minus strand). Cytogenetic location: 6p21.1.
Variant type: single nucleotide variant.
Coding change: c.2729C>G on transcript NM_020745.4 (MANE Select); coding-DNA position 2729, C replaced by G.
Protein change: p.Thr910Arg; replaces threonine 910 with arginine.
Molecular consequence: missense variant.
Genome position (GRCh38, 1-based): chr6:44,301,220, G>C on the plus strand (C>G on the coding strand, the complement: AARS2 is on the minus strand). VCF-style: chr6-44301220-G-C. GRCh37 (hg19) VCF-style: chr6-44268957-G-C.
Other names: short protein forms T910R.
Identifiers: ClinVar variation 1366359 (VCV001366359.42), dbSNP rs148429504, ClinGen allele CA3833855.

ClinVar aggregate classification (germline): Uncertain significance (1 of 4 stars; one submission).

Allele frequency attached by ClinVar (database versions not stated): ESP Exome Variant Server 0.00015; gnomAD 0.00017 and 0.00019.
gnomAD v4.1: 43 of 1,613,614 alleles (0.0027%); highest among the groups gnomAD compares: African/African-American, 0.049%; no homozygotes.

Submission:

Labcorp Genetics (formerly Invitae), Labcorp
Classification: Uncertain significance. Last evaluated: 2022-03-22. Review status: criteria provided, single submitter. Criteria: Invitae Variant Classification Sherloc (09022015). Collection method: clinical testing. Allele origin: germline.
Comment: This sequence change replaces threonine, which is neutral and polar, with arginine, which is basic and polar, at codon 910 of the AARS2 protein (p.Thr910Arg). This variant is present in population databases (rs148429504, gnomAD 0.04%). This variant has not been reported in the literature in individuals affected with AARS2-related conditions. Advanced modeling of protein sequence and biophysical properties (such as structural, functional, and spatial information, amino acid conservation, physicochemical variation, residue mobility, and thermodynamic stability) performed at Invitae indicates that this missense variant is not expected to disrupt AARS2 protein function. Algorithms developed to predict the effect of sequence changes on RNA splicing suggest that this variant may create or strengthen a splice site. In summary, the available evidence is currently insufficient to determine the role of this variant in disease. Therefore, it has been classified as a Variant of Uncertain Significance.